The following is an entry in ClinVar:

ClinVar aggregate classification (germline): Uncertain significance (1 of 4 stars; one submission).

Submission:

GeneDx
Classification: Uncertain significance. Last evaluated: 2021-04-29. Review status: criteria provided, single submitter. Criteria: GeneDx Variant Classification Process June 2021. Collection method: clinical testing. Allele origin: germline. Affected: yes.
Comment: Not observed in large population cohorts (Lek et al., 2016); In silico analysis, which includes protein predictors and evolutionary conservation, supports that this variant does not alter protein structure/function; Has not been previously published as pathogenic or benign to our knowledge

NM_005120.3(MED12):c.659G>A (p.Gly220Glu)

Gene: MED12 (mediator complex subunit 12; plus strand). Cytogenetic location: Xq13.1.
Variant type: single nucleotide variant.
Coding change: c.659G>A on transcript NM_005120.3 (MANE Select); coding-DNA position 659, G replaced by A.
Protein change: p.Gly220Glu; replaces glycine 220 with glutamic acid.
Molecular consequence: missense variant.
Genome position (GRCh38, 1-based): chrX:71,121,076, G>A. VCF-style: chrX-71121076-G-A. GRCh37 (hg19) VCF-style: chrX-70340926-G-A.
Other names: short protein forms G220E.
Identifiers: ClinVar variation 1310673 (VCV001310673.2), dbSNP rs2147777713, ClinGen allele CA413500847.
Genomic context (GRCh38, chrX:71,121,076, plus strand): 5'-AGATGGCTGAATACTACCGGCCAGGGCCTGCAGGAAGTGGGGGCTGTGGTTCCACGATAG[G>A]GCCCTTGCCCCATGATGTAGAGGTGGCAATCCGGCAGTGGGATTACACCGAGAAGCTGGC-3'
Protein context (NP_005111.2, residues 210-230): AGSGGCGSTI[Gly220Glu]PLPHDVEVAI